The following is an entry in ClinVar:

ClinVar aggregate classification (germline): Uncertain significance (1 of 4 stars; one submission).

Conditions:
Hereditary cancer-predisposing syndrome. Also called: Neoplastic Syndromes, Hereditary; Tumor predisposition; Hereditary Cancer Syndrome; Hereditary neoplastic syndrome. Identifiers: Orphanet 140162, MedGen C0027672, MeSH D009386, MONDO:0015356.

Submission:

Ambry Genetics
Classification: Uncertain significance for Hereditary cancer-predisposing syndrome. Last evaluated: 2022-10-18. Review status: criteria provided, single submitter. Criteria: Ambry Variant Classification Scheme 2023. Collection method: clinical testing. Allele origin: germline.
Comment: The c.3549G>A variant (also known as p.E1183E), located in coding exon 21 of the PTCH1 gene, results from a G to A substitution at nucleotide position 3549. This nucleotide substitution does not change the glutamic acid at codon 1183. However, this change occurs in the last base pair of coding exon 21, which makes it likely to have some effect on normal mRNA splicing. This nucleotide position is highly conserved in available vertebrate species. In silico splice site analysis predicts that this alteration will weaken the native splice donor site; however, direct evidence is insufficient at this time (Ambry internal data). Since supporting evidence is limited at this time, the clinical significance of this alteration remains unclear.

NM_000264.5(PTCH1):c.3549G>A (p.Glu1183=)

Gene: PTCH1 (patched 1; minus strand). Cytogenetic location: 9q22.32.
Variant type: single nucleotide variant.
Coding change: c.3549G>A on transcript NM_000264.5 (MANE Select); coding-DNA position 3549, G replaced by A.
Protein change: p.Glu1183=; no amino-acid change (glutamic acid 1183 retained).
Molecular consequence: synonymous variant. On other transcripts: non-coding transcript variant (1).
Genome position (GRCh38, 1-based): chr9:95,449,841, C>T on the plus strand (G>A on the coding strand, the complement: PTCH1 is on the minus strand). VCF-style: chr9-95449841-C-T. GRCh37 (hg19) VCF-style: chr9-98212123-C-T.
Other names: c.3351G>A, p.Glu1117= (NM_001083602.3); c.3546G>A, p.Glu1182= (NM_001083603.3); c.3096G>A, p.Glu1032= (NM_001083604.3, NM_001083605.3, NM_001083606.3 and 1 more transcripts); c.3393G>A, p.Glu1131= (NM_001354918.2).
Identifiers: ClinVar variation 1732543 (VCV001732543.2), dbSNP rs2538020674, ClinGen allele CA466106085.